The following is an entry in ClinVar:

NM_012452.3(TNFRSF13B):c.857C>A (p.Ala286Asp)

Gene: TNFRSF13B (TNF receptor superfamily member 13B; minus strand). Cytogenetic location: 17p11.2.
Variant type: single nucleotide variant.
Coding change: c.857C>A on transcript NM_012452.3 (MANE Select); coding-DNA position 857, C replaced by A.
Protein change: p.Ala286Asp; replaces alanine 286 with aspartic acid.
Molecular consequence: missense variant.
Genome position (GRCh38, 1-based): chr17:16,939,572, G>T on the plus strand (C>A on the coding strand, the complement: TNFRSF13B is on the minus strand). VCF-style: chr17-16939572-G-T. GRCh37 (hg19) VCF-style: chr17-16842886-G-T.
Other names: short protein forms A286D.
Identifiers: ClinVar variation 322023 (VCV000322023.10), dbSNP rs886052652, ClinGen allele CA10648672.
Genomic context (GRCh38, chr17:16,939,572, plus strand): 5'-CTCTCTCCCTCCTCCTTTCCCTCCCTGACCCCCATTTATGCACCTGGGCCCCCCTCCTGG[G>T]CAGGCACACACACAATGCCAAGGCCACTGTCTGGGATGTGTGGGCAAGGCTGCAGGACTG-3'
Protein context (NP_036584.1, residues 276-293): DSGLGIVCVP[Ala286Asp]QEGGPGA

ClinVar aggregate classification (germline): Uncertain significance (1 of 4 stars; one submission).

Conditions:
Immunodeficiency, common variable, 2 (CVID2). Also called: HYPOGAMMAGLOBULINEMIA DUE TO TACI DEFICIENCY; ANTIBODY DEFICIENCY DUE TO TACI DEFECT. Identifiers: Orphanet 1572, MedGen C3150354, MONDO:0009413, OMIM 240500.

Allele frequency attached by ClinVar (database versions not stated): TOPMed 0.00001.

Submission:

Labcorp Genetics (formerly Invitae), Labcorp
Classification: Uncertain significance for Immunodeficiency, common variable, 2. Last evaluated: 2025-04-11. Review status: criteria provided, single submitter. Criteria: Invitae Variant Classification Sherloc (09022015). Collection method: clinical testing. Allele origin: germline.
Comment: This sequence change replaces alanine, which is neutral and non-polar, with aspartic acid, which is acidic and polar, at codon 286 of the TNFRSF13B protein (p.Ala286Asp). This variant is present in population databases (no rsID available, gnomAD no frequency). This variant has not been reported in the literature in individuals affected with TNFRSF13B-related conditions. ClinVar contains an entry for this variant (Variation ID: 322023). Invitae Evidence Modeling of protein sequence and biophysical properties (such as structural, functional, and spatial information, amino acid conservation, physicochemical variation, residue mobility, and thermodynamic stability) indicates that this missense variant is not expected to disrupt TNFRSF13B protein function with a negative predictive value of 95%. In summary, the available evidence is currently insufficient to determine the role of this variant in disease. Therefore, it has been classified as a Variant of Uncertain Significance.